The following is an entry in ClinVar:

NM_001080517.3(SETD5):c.4097C>T (p.Thr1366Ile)

Gene: SETD5 (SET domain containing 5; plus strand). Cytogenetic location: 3p25.3.
Variant type: single nucleotide variant.
Coding change: c.4097C>T on transcript NM_001080517.3 (MANE Select); coding-DNA position 4097, C replaced by T.
Protein change: p.Thr1366Ile; replaces threonine 1366 with isoleucine.
Molecular consequence: missense variant.
Genome position (GRCh38, 1-based): chr3:9,475,859, C>T. VCF-style: chr3-9475859-C-T. GRCh37 (hg19) VCF-style: chr3-9517543-C-T.
Other names: c.3803C>T, p.Thr1268Ile (NM_001292043.2, NM_001349451.2); short protein forms T1268I, T1366I.
Identifiers: ClinVar variation 2979622 (VCV002979622.3), dbSNP rs536881158, ClinGen allele CA69952027.

ClinVar aggregate classification (germline): Uncertain significance (1 of 4 stars; one submission).

Allele frequency attached by ClinVar (database versions not stated): gnomAD 0.00001; 1000 Genomes Project 30x 0.00016; 1000 Genomes Project 0.00020.
gnomAD v4.1: 2 of 1,614,062 alleles (0.00012%); highest among the groups gnomAD compares: East Asian, 0.0022%; no homozygotes.

Submission:

Labcorp Genetics (formerly Invitae), Labcorp
Classification: Uncertain significance. Last evaluated: 2025-09-24. Review status: criteria provided, single submitter. Criteria: Invitae Variant Classification Sherloc (09022015). Collection method: clinical testing. Allele origin: germline.
Comment: This sequence change replaces threonine, which is neutral and polar, with isoleucine, which is neutral and non-polar, at codon 1366 of the SETD5 protein (p.Thr1366Ile). This variant is present in population databases (rs536881158, gnomAD 0.01%). This variant has not been reported in the literature in individuals affected with SETD5-related conditions. ClinVar contains an entry for this variant (Variation ID: 2979622). Invitae Evidence Modeling of protein sequence and biophysical properties (such as structural, functional, and spatial information, amino acid conservation, physicochemical variation, residue mobility, and thermodynamic stability) indicates that this missense variant is expected to disrupt SETD5 protein function with a positive predictive value of 80%. In summary, the available evidence is currently insufficient to determine the role of this variant in disease. Therefore, it has been classified as a Variant of Uncertain Significance.